The following is an entry in ClinVar:

ClinVar aggregate classification (germline): Uncertain significance (1 of 4 stars; one submission).

Allele frequency attached by ClinVar (database versions not stated): TOPMed below 0.00001; gnomAD 0.00001.

Submission:

Labcorp Genetics (formerly Invitae), Labcorp
Classification: Uncertain significance. Last evaluated: 2022-05-27. Review status: criteria provided, single submitter. Criteria: Invitae Variant Classification Sherloc (09022015). Collection method: clinical testing. Allele origin: germline.
Comment: In summary, the available evidence is currently insufficient to determine the role of this variant in disease. Therefore, it has been classified as a Variant of Uncertain Significance. Algorithms developed to predict the effect of sequence changes on RNA splicing suggest that this variant may disrupt the consensus splice site. This variant has not been reported in the literature in individuals affected with MTOR-related conditions. This variant is present in population databases (no rsID available, gnomAD 0.003%). This sequence change affects codon 2000 of the MTOR mRNA. It is a 'silent' change, meaning that it does not change the encoded amino acid sequence of the MTOR protein.

NM_004958.4(MTOR):c.6000G>A (p.Glu2000=)

Gene: MTOR (mechanistic target of rapamycin kinase; minus strand). Cytogenetic location: 1p36.22.
Variant type: single nucleotide variant.
Coding change: c.6000G>A on transcript NM_004958.4 (MANE Select); coding-DNA position 6000, G replaced by A.
Protein change: p.Glu2000=; no amino-acid change (glutamic acid 2000 retained).
Molecular consequence: synonymous variant.
Genome position (GRCh38, 1-based): chr1:11,128,037, C>T on the plus strand (G>A on the coding strand, the complement: MTOR is on the minus strand). VCF-style: chr1-11128037-C-T. GRCh37 (hg19) VCF-style: chr1-11188094-C-T.
Other names: c.6000G>A, p.Glu2000= (NM_001386500.1); c.4752G>A, p.Glu1584= (NM_001386501.1).
Identifiers: ClinVar variation 2128490 (VCV002128490.4), dbSNP rs1463055816, ClinGen allele CA415920989.